The following is an entry in ClinVar:

NM_001042492.3(NF1):c.3709-2A>T

Gene: NF1 (neurofibromin 1; plus strand). Cytogenetic location: 17q11.2.
Variant type: single nucleotide variant.
Coding change: c.3709-2A>T on transcript NM_001042492.3 (MANE Select); the canonical splice acceptor site of the intron before coding-DNA position 3709, A replaced by T.
Molecular consequence: splice acceptor variant.
Genome position (GRCh38, 1-based): chr17:31,235,609, A>T. VCF-style: chr17-31235609-A-T. GRCh37 (hg19) VCF-style: chr17-29562627-A-T.
Other names: c.3709-2A>T (NM_000267.4).
Identifiers: ClinVar variation 647016 (VCV000647016.8), dbSNP rs1597722374, ClinGen allele CA398992249.
Genomic context (GRCh38, chr17:31,235,609, plus strand): 5'-GCTTCCTACCTAAGAATAAAAATGGGATTGTTTGCACTAACCTGATTTTGTTTTGTTCTC[A>T]GGATGAACTAGCTCGAGTTCTGGTTACTCTGTTTGATTCTCGGCATTTACTCTACCAACT-3'

ClinVar aggregate classification (germline): Pathogenic (1 of 4 stars; one submission).

Conditions:
Neurofibromatosis, type 1 (NF1). Also called: VON RECKLINGHAUSEN DISEASE; Neurofibromatosis, type I; NEUROFIBROMATOSIS, TYPE I, SOMATIC; Peripheral type neurofibromatosis. Identifiers: Orphanet 636, MedGen C0027831, MONDO:0018975, OMIM 162200. Disease mechanism: loss of function.

Submission:

Labcorp Genetics (formerly Invitae), Labcorp
Classification: Pathogenic for Neurofibromatosis, type 1. Last evaluated: 2025-02-28. Review status: criteria provided, single submitter. Criteria: Invitae Variant Classification Sherloc (09022015). Collection method: clinical testing. Allele origin: germline.
Comment: This sequence change affects an acceptor splice site in intron 27 of the NF1 gene. It is expected to disrupt RNA splicing. Variants that disrupt the donor or acceptor splice site typically lead to a loss of protein function (PMID: 16199547), and loss-of-function variants in NF1 are known to be pathogenic (PMID: 10712197, 23913538). This variant is not present in population databases (gnomAD no frequency). Disruption of this splice site has been observed in individuals with neurofibromatosis type 1 (PMID: 25541118; internal data). ClinVar contains an entry for this variant (Variation ID: 647016). Algorithms developed to predict the effect of sequence changes on RNA splicing suggest that this variant may disrupt the consensus splice site. For these reasons, this variant has been classified as Pathogenic.

Literature cited by the submitters: PubMed 16199547; PubMed 10712197; PubMed 23913538; PubMed 25541118.